The following is an entry in ClinVar:

NM_001267550.2(TTN):c.8902+1G>A

Gene: TTN (titin; minus strand). Cytogenetic location: 2q31.2.
Variant type: single nucleotide variant.
Coding change: c.8902+1G>A on transcript NM_001267550.2 (MANE Select); the canonical splice donor site of the intron after coding-DNA position 8902, G replaced by A.
Molecular consequence: splice donor variant.
Genome position (GRCh38, 1-based): chr2:178,769,678, C>T on the plus strand (G>A on the coding strand, the complement: TTN is on the minus strand). VCF-style: chr2-178769678-C-T. GRCh37 (hg19) VCF-style: chr2-179634405-C-T.
Other names: c.8764+1G>A (NM_003319.4, NM_133437.4, NM_133432.3); c.8902+1G>A (NM_133378.4, NM_001256850.1, NM_133379.5).
Identifiers: ClinVar variation 284258 (VCV000284258.24), dbSNP rs770392096, ClinGen allele CA2004508.

ClinVar aggregate classification (germline): Conflicting classifications of pathogenicity. Review status: criteria provided, conflicting classifications (1 of 4 stars). 7 submissions from 7 submitters: Likely pathogenic (3); Uncertain significance (4). Last evaluated 2026-06-09.

Conditions:
TTN-related disorder. Also called: TTN-related condition; TTN-related disease; TTN-related disorders.
Dilated cardiomyopathy 1G (CMD1G). Identifiers: Orphanet 154, MedGen C1858763, MONDO:0011400, OMIM 604145.
Autosomal recessive limb-girdle muscular dystrophy type 2J (LGMDR10). Also called: Limb-girdle muscular dystrophy, type 2J; MUSCULAR DYSTROPHY, LIMB-GIRDLE, AUTOSOMAL RECESSIVE 10. Identifiers: Orphanet 140922, MedGen C1837342, MONDO:0012127, OMIM 608807.
Cardiovascular phenotype. Identifiers: MedGen CN230736.
Cardiomyopathy (CMYO). Also called: Cardiomyopathies. Identifiers: Orphanet 167848, MedGen C0878544, MONDO:0004994, HP:0001638. Inheritance: Various modes of inheritance.

Allele frequency attached by ClinVar (database versions not stated): ExAC 0.00002; gnomAD 0.00002 and 0.00003; gnomAD exomes 0.00002; TOPMed 0.00004.
gnomAD v4.1: 33 of 1,611,592 alleles (0.002%); highest among the groups gnomAD compares: East Asian, 0.0067%; 2 homozygotes.

Submissions (7):

Ambry Genetics
Classification: Uncertain significance for Cardiovascular phenotype. Last evaluated: 2026-06-09. Review status: criteria provided, single submitter. Criteria: Ambry Variant Classification Scheme 2023. Collection method: clinical testing. Allele origin: germline.
Comment: The c.8764+1G>A intronic variant results from a G to A substitution one nucleotide after coding exon 35 of the TTN gene. This exon is located in the I-band region of the N2-B isoform of the titin protein and is constitutively expressed in TTN transcripts (percent spliced in or PSI 100%). This variant was reported in individual(s) with features consistent with dilated cardiomyopathy (DCM) (Xiao L et al. Front Cardiovasc Med, 2021 Apr;8:657689; Ambry internal data). This nucleotide position is highly conserved in available vertebrate species. In silico splice site analysis predicts that this alteration will weaken the native splice donor site. This variant disrupts the canonical splice site and is expected to cause aberrant splicing. However, although direct evidence is unavailable, this variant is predicted to result in an in-frame transcript that is not expected to trigger nonsense-mediated mRNA decay. The exact functional effect of the predicted splice impact is unknown. Based on the available evidence, the clinical significance of this variant remains unclear.

Labcorp Genetics (formerly Invitae), Labcorp
Classification: Likely pathogenic for Dilated cardiomyopathy 1G; Autosomal recessive limb-girdle muscular dystrophy type 2J. Last evaluated: 2026-01-12. Review status: criteria provided, single submitter. Criteria: Invitae Variant Classification Sherloc (09022015). Collection method: clinical testing. Allele origin: germline.
Comment: This sequence change affects a donor splice site in intron 37 of the TTN gene. It is expected to disrupt RNA splicing and likely results in a truncated or disrupted TTN protein. This variant is present in population databases (rs770392096, gnomAD 0.01%). This variant has not been observed in the literature in individuals with autosomal recessive TTN-related conditions. This variant has been reported in individual(s) with dilated cardiomyopathy (PMID: 33996946); however, the role of the variant in this condition is currently unclear. ClinVar contains an entry for this variant (Variation ID: 284258). Algorithms developed to predict the effect of sequence changes on RNA splicing suggest that this variant may disrupt the consensus splice site. This variant is located in the I band of TTN (PMID: 25589632). Truncating variants in this region have been reported in individuals affected with autosomal recessive centronuclear myopathy (PMID: 23975875, internal data). Truncating variants in this region have also been identified in individuals affected with autosomal dominant dilated cardiomyopathy and/or cardio-related conditions (PMID: 27869827, 32964742, internal data). In summary, the currently available evidence indicates that the variant is pathogenic, but additional data are needed to prove that conclusively. Therefore, this variant has been classified as Likely Pathogenic.

PreventionGenetics, part of Exact Sciences
Classification: Likely pathogenic for TTN-related condition. Last evaluated: 2025-11-22. Review status: criteria provided, single submitter. Criteria: ACMG Guidelines, 2015. Collection method: clinical testing. Allele origin: germline.
Comment: The TTN c.8902+1G>A variant is predicted to disrupt the GT donor site and interfere with normal splicing. This variant has been reported in individuals with dilated cardiomyopathy (described as c.15103+1G>A, p.P2968_splice in Table S2, Tobita et al. 2018. PubMed ID: 29386531; Table S2, Xiao et al. 2021. PubMed ID: 33996946). This variant is reported in 0.010% of alleles in individuals of East Asian descent in gnomAD. This variant affects the canonical splice site of an exon that is located in the TTN protein I-band region. RNAseq studies from heart tissue indicate this exon is commonly included in TTN mRNA transcripts (PSI of 100%, Roberts et al. 2015. PubMed ID: 25589632). TTN loss-of-function variants occurring in constitutively expressed exons (PSI > 90%) are more likely to be disease causing for TTN cardiac-related disorders regardless of band location (Roberts et al. 2015. PubMed ID: 25589632; Schafer et al. 2017 PubMed ID: 27869827; Akhtar et al. 2020. PubMed ID: 32964742). Many cases of recessive TTN-related myopathies in which the individual is compound heterozygous for two loss-of-function variants in TTN have also been reported (Oates et al. 2018. PubMed ID: 29691892; Ge et al. 2019. PubMed ID: 31053406; Rees et al. 2021. PubMed ID: 33449170). In summary, this variant is categorized as likely pathogenic. Of note, this variant is considered likely pathogenic for increased risk of TTN-related cardiac disorders, and also for autosomal recessive TTN-related congenital titinopathies.

Women's Health and Genetics/Laboratory Corporation of America, LabCorp
Classification: Likely pathogenic for Cardiomyopathy. Last evaluated: 2025-01-17. Review status: criteria provided, single submitter. Criteria: LabCorp Variant Classification Summary - May 2015. Collection method: clinical testing. Allele origin: germline.
Comment: Variant summary: TTN c.8902+1G>A is located in a canonical splice-site and is predicted to affect mRNA splicing resulting in a significantly altered protein due to either exon skipping, shortening, or inclusion of intronic material. Variants that disrupt the consensus splice site are a relatively common cause of aberrant splicing and loss of TTN function. Loss of function variants in all TTN bands are strongly associated with a spectrum of autosomal recessive titinopathies when exon expression (proportion spliced in, PSI, 1=complete expression) in skeletal muscle is >0.1 (PMID: 36977548, 39198997, 29598826, 32778822, 29691892, 33449170, 36977548, internal data). In contrast, loss of function variants in all TTN bands are only strongly associated with autosomal dominant TTN-related cardiomyopathies if located in exons constitutively expressed (PSI >0.9) in cardiac muscle, excluding extreme C-terminal exons 359-363 (PMID: 25589632, 31216868, 32964742, 34662387, 27869827, Shetty et al., Nat Cardiovasc Res 2024,, internal data). This variant has a maximum skeletal muscle PSI of 0.976 and a maximum cardiac muscle PSI of 1. Several computational tools predict a significant impact on normal splicing: Four predict the variant abolishes a 5' splicing donor site. However, these predictions have yet to be confirmed by functional studies. The variant allele was found at a frequency of 2.4e-05 in 248444 control chromosomes in the gnomAD database, including 1 homozygote. The available data on variant occurrences in the general population are insufficient to allow any conclusion about variant significance. To our knowledge, no occurrence of c.8902+1G>A in individuals affected with TTN-related conditions and no experimental evidence demonstrating its impact on protein function have been reported. ClinVar contains an entry for this variant (Variation ID: 284258). Based on the evidence outline above, the variant has been classified as Likely Pathogenic for both autosomal dominant and autosomal recessive TTN-related conditions.

GeneDx
Classification: Uncertain significance. Last evaluated: 2021-08-09. Review status: criteria provided, single submitter. Criteria: GeneDx Variant Classification Process June 2021. Collection method: clinical testing. Allele origin: germline. Affected: yes.
Comment: Has not been previously published as pathogenic or benign to our knowledge; Reported in ClinVar as a variant of uncertain significance (ClinVar Variant ID# 284258; Landrum et al., 2016); Canonical splice site variant located in the I-band region that does not affect one of the constitutive exons; studies suggest that truncating variants affecting constitutive exons throughout the TTN gene are significantly associated with DCM (Deo, 2016; Schafer et al., 2017)

Revvity Omics, Revvity
Classification: Uncertain significance. Last evaluated: 2021-02-10. Review status: criteria provided, single submitter. Criteria: ACMG Guidelines, 2015. Collection method: clinical testing. Allele origin: germline.

Eurofins Ntd Llc (ga)
Classification: Uncertain significance. Last evaluated: 2015-11-03. Review status: criteria provided, single submitter. Criteria: EGL Classification Definitions 2015. Collection method: clinical testing. Allele origin: germline. Observed: 1 variant allele, 1 heterozygote.

Literature cited by the submitters: PubMed 33996946 (cited by Ambry Genetics and Labcorp Genetics (formerly Invitae), Labcorp); PubMed 25589632 (cited by Labcorp Genetics (formerly Invitae), Labcorp); PubMed 23975875 (cited by Labcorp Genetics (formerly Invitae), Labcorp); PubMed 27869827 (cited by Labcorp Genetics (formerly Invitae), Labcorp); PubMed 32964742 (cited by Labcorp Genetics (formerly Invitae), Labcorp).